The following is an entry in ClinVar:

ClinVar aggregate classification (germline): Uncertain significance (1 of 4 stars; one submission).

Conditions:
Congenital contractures of the limbs and face, hypotonia, and developmental delay (CLIFAHDD). Identifiers: Orphanet 562528, MedGen C4225398, MONDO:0014556, OMIM 616266.

gnomAD v4.1: 1 of 1,613,768 alleles (0.000062%); highest among the groups gnomAD compares: East Asian, 0.0022%; no homozygotes.

Submission:

Baylor Genetics
Classification: Uncertain significance for Congenital contractures of the limbs and face, hypotonia, and developmental delay. Last evaluated: 2020-07-16. Review status: criteria provided, single submitter. Criteria: ACMG Guidelines, 2015. Collection method: clinical testing. Allele origin: unknown. Affected: yes.
Comment: This variant was determined to be of uncertain significance according to ACMG Guidelines, 2015 [PMID:25741868].

NM_052867.4(NALCN):c.2786T>C (p.Met929Thr)

Gene: NALCN (sodium leak channel, non-selective; minus strand). Cytogenetic location: 13q33.1.
Variant type: single nucleotide variant.
Coding change: c.2786T>C on transcript NM_052867.4 (MANE Select); coding-DNA position 2786, T replaced by C.
Protein change: p.Met929Thr; replaces methionine 929 with threonine.
Molecular consequence: missense variant.
Genome position (GRCh38, 1-based): chr13:101,104,398, A>G on the plus strand (T>C on the coding strand, the complement: NALCN is on the minus strand). VCF-style: chr13-101104398-A-G. GRCh37 (hg19) VCF-style: chr13-101756749-A-G.
Other names: c.2873T>C, p.Met958Thr (NM_001350748.2); c.2786T>C, p.Met929Thr (NM_001350749.2); c.2699T>C, p.Met900Thr (NM_001350750.2, NM_001350751.2); short protein forms M958T, M929T, M900T.
Identifiers: ClinVar variation 1029044 (VCV001029044.1), dbSNP rs2034987913, ClinGen allele CA388669718.